The following is an entry in ClinVar:

NM_001330311.2(DVL1):c.758C>T (p.Thr253Met)

Gene: DVL1 (dishevelled segment polarity protein 1; minus strand). Cytogenetic location: 1p36.33.
Variant type: single nucleotide variant.
Coding change: c.758C>T on transcript NM_001330311.2 (MANE Select); coding-DNA position 758, C replaced by T.
Protein change: p.Thr253Met; replaces threonine 253 with methionine.
Molecular consequence: missense variant.
Genome position (GRCh38, 1-based): chr1:1,340,258, G>A on the plus strand (C>T on the coding strand, the complement: DVL1 is on the minus strand). VCF-style: chr1-1340258-G-A. GRCh37 (hg19) VCF-style: chr1-1275638-G-A.
Other names: c.758C>T (NM_004421.2); c.758C>T, p.Thr253Met (NM_004421.3); short protein forms T253M.
Identifiers: ClinVar variation 1379017 (VCV001379017.10), dbSNP rs1643746555, ClinGen allele CA337870386.
Genomic context (GRCh38, chr1:1,340,258, plus strand): 5'-CGCGGCCAAGCCCCTGCCCCTGCCCCCAACCCTCGCCCCGAGGCCTCACCCATGTTGAGC[G>A]TGACAGTGACGATGTTGAGGGACATGGTGGAGTCGGTTATGCTGCTGAAGGAGGAGGCCT-3'
Protein context (NP_001317240.1, residues 243-263): STMSLNIVTV[Thr253Met]LNMERHHFLG

ClinVar aggregate classification (germline): Uncertain significance. Review status: criteria provided, multiple submitters, no conflicts (2 of 4 stars). 3 submissions from 3 submitters: Uncertain significance (3). Last evaluated 2023-10-10.

Conditions:
Inborn genetic diseases. Identifiers: MedGen C0950123, MeSH D030342.
Autosomal dominant Robinow syndrome 2. Identifiers: Orphanet 3107, Orphanet 97360, MedGen C4225363, MONDO:0014591, OMIM 616331.

Allele frequency attached by ClinVar (database versions not stated): TOPMed below 0.00001; gnomAD 0.00001.

Submissions (3):

Revvity Omics, Revvity
Classification: Uncertain significance for Autosomal dominant Robinow syndrome 2. Last evaluated: 2023-10-10. Review status: criteria provided, single submitter. Criteria: ACMG Guidelines, 2015. Collection method: clinical testing. Allele origin: germline.

Ambry Genetics
Classification: Uncertain significance for Inborn genetic diseases. Last evaluated: 2023-04-05. Review status: criteria provided, single submitter. Criteria: Ambry Variant Classification Scheme 2023. Collection method: clinical testing. Allele origin: germline.

Labcorp Genetics (formerly Invitae), Labcorp
Classification: Uncertain significance. Last evaluated: 2022-02-05. Review status: criteria provided, single submitter. Criteria: Invitae Variant Classification Sherloc (09022015). Collection method: clinical testing. Allele origin: germline.
Comment: In summary, the available evidence is currently insufficient to determine the role of this variant in disease. Therefore, it has been classified as a Variant of Uncertain Significance. Algorithms developed to predict the effect of missense changes on protein structure and function are either unavailable or do not agree on the potential impact of this missense change (SIFT: "Deleterious"; PolyPhen-2: "Probably Damaging"; Align-GVGD: "Class C0"). This variant has not been reported in the literature in individuals affected with DVL1-related conditions. This variant is not present in population databases (gnomAD no frequency). This sequence change replaces threonine, which is neutral and polar, with methionine, which is neutral and non-polar, at codon 253 of the DVL1 protein (p.Thr253Met).